The following is an entry in ClinVar:

NM_005960.2(MUC3A):c.7248T>A (p.Thr2416=)

Gene: MUC3A (mucin 3A, cell surface associated; plus strand). Cytogenetic location: 7q22.1.
Variant type: single nucleotide variant.
Coding change: c.7248T>A on transcript NM_005960.2 (MANE Select); coding-DNA position 7248, T replaced by A.
Protein change: p.Thr2416=; no amino-acid change (threonine 2416 retained).
Molecular consequence: synonymous variant.
Genome position (GRCh38, 1-based): chr7:100,959,027, T>A. VCF-style: chr7-100959027-T-A. GRCh37 (hg19) VCF-style: chr7-100551156-T-A.
Identifiers: ClinVar variation 2657789 (VCV002657789.24), dbSNP rs376463942, ClinGen allele CA1729582362.

ClinVar aggregate classification (germline): Likely benign (1 of 4 stars; one submission).

Submission:

CeGaT Center for Human Genetics Tuebingen
Classification: Likely benign. Last evaluated: 2022-11-01. Review status: criteria provided, single submitter. Criteria: CeGaT Center For Human Genetics Tuebingen Variant Classification Criteria Version 2. Collection method: clinical testing. Allele origin: germline. Affected: yes. Observed: 1 variant allele.
Comment: MUC3A: BP4, BP7